The following is an entry in ClinVar:

NM_002473.6(MYH9):c.4024C>G (p.Arg1342Gly)

Gene: MYH9 (myosin heavy chain 9; minus strand). Cytogenetic location: 22q12.3.
Variant type: single nucleotide variant.
Coding change: c.4024C>G on transcript NM_002473.6 (MANE Select); coding-DNA position 4024, C replaced by G.
Protein change: p.Arg1342Gly; replaces arginine 1342 with glycine.
Molecular consequence: missense variant.
Genome position (GRCh38, 1-based): chr22:36,293,400, G>C on the plus strand (C>G on the coding strand, the complement: MYH9 is on the minus strand). VCF-style: chr22-36293400-G-C. GRCh37 (hg19) VCF-style: chr22-36689446-G-C.
Other names: short protein forms R1342G.
Identifiers: ClinVar variation 1709110 (VCV001709110.2), dbSNP rs147901502, ClinGen allele CA411384658.
Genomic context (GRCh38, chr22:36,293,400, plus strand): 5'-GGGTGGCGATCTGCTTCTCCAGGTTGTGCTTGGCCTCCTCCTCCTCCTCCAGCTGCTCCC[G>C]GAAGGAATTCTTCTCGTCCTCCACCTGCTTGAGCTTGGTGCTCAGGCTCAGCTTCTGCCG-3'
Protein context (NP_002464.1, residues 1332-1352): KQVEDEKNSF[Arg1342Gly]EQLEEEEEAK

ClinVar aggregate classification (germline): Uncertain significance (1 of 4 stars; one submission).

Conditions:
Macrothrombocytopenia and granulocyte inclusions with or without nephritis or sensorineural hearing loss (MATINS). Also called: ALPORT SYNDROME WITH MACROTHROMBOCYTOPENIA; Fechtner syndrome; Epstein syndrome; Giant platelet syndrome with thrombocytopenia; SEBASTIAN PLATELET SYNDROME; MACROTHROMBOCYTOPENIA WITH DISPERSED LEUKOCYTIC INCLUSIONS. Identifiers: Orphanet 182050, MedGen C5200934, MONDO:0015912, OMIM 155100.

Submission:

MGZ Medical Genetics Center
Classification: Uncertain significance for Macrothrombocytopenia and granulocyte inclusions with or without nephritis or sensorineural hearing loss. Last evaluated: 2022-02-10. Review status: criteria provided, single submitter. Criteria: ACMG Guidelines, 2015. Collection method: clinical testing. Allele origin: germline. Affected: yes. Observed: 1 variant allele.
Comment: ACMG criteria applied: PM2_SUP, BP4